The following is an entry in ClinVar:

NM_025009.5(CEP135):c.3370C>G (p.Leu1124Val)

Gene: CEP135 (centrosomal protein 135; plus strand). Cytogenetic location: 4q12.
Variant type: single nucleotide variant.
Coding change: c.3370C>G on transcript NM_025009.5 (MANE Select); coding-DNA position 3370, C replaced by G.
Protein change: p.Leu1124Val; replaces leucine 1124 with valine.
Molecular consequence: missense variant.
Genome position (GRCh38, 1-based): chr4:56,024,550, C>G. VCF-style: chr4-56024550-C-G. GRCh37 (hg19) VCF-style: chr4-56890716-C-G.
Other names: short protein forms L1124V.
Identifiers: ClinVar variation 4717541 (VCV004717541.1).

ClinVar aggregate classification (germline): Uncertain significance (1 of 4 stars; one submission).

gnomAD v4.1: 1 of 1,613,908 alleles (0.000062%); highest among the groups gnomAD compares: Non-Finnish European, 0.000085%; no homozygotes.

Submission:

Labcorp Genetics (formerly Invitae), Labcorp
Classification: Uncertain significance. Last evaluated: 2025-04-22. Review status: criteria provided, single submitter. Criteria: Invitae Variant Classification Sherloc (09022015). Collection method: clinical testing. Allele origin: germline.
Comment: This sequence change replaces leucine, which is neutral and non-polar, with valine, which is neutral and non-polar, at codon 1124 of the CEP135 protein (p.Leu1124Val). This variant is not present in population databases (gnomAD no frequency). This variant has not been reported in the literature in individuals affected with CEP135-related conditions. An algorithm developed to predict the effect of missense changes on protein structure and function (PolyPhen-2) suggests that this variant is likely to be tolerated. In summary, the available evidence is currently insufficient to determine the role of this variant in disease. Therefore, it has been classified as a Variant of Uncertain Significance.